The following is an entry in ClinVar:

NM_001035.3(RYR2):c.3182G>A (p.Gly1061Asp)

Gene: RYR2 (ryanodine receptor 2; plus strand). Cytogenetic location: 1q43.
Variant type: single nucleotide variant.
Coding change: c.3182G>A on transcript NM_001035.3 (MANE Select); coding-DNA position 3182, G replaced by A.
Protein change: p.Gly1061Asp; replaces glycine 1061 with aspartic acid.
Molecular consequence: missense variant.
Genome position (GRCh38, 1-based): chr1:237,550,659, G>A. VCF-style: chr1-237550659-G-A. GRCh37 (hg19) VCF-style: chr1-237713959-G-A.
Other names: short protein forms G1061D.
Identifiers: ClinVar variation 920259 (VCV000920259.6), dbSNP rs373083911, ClinGen allele CA345395082.
Genomic context (GRCh38, chr1:237,550,659, plus strand): 5'-GAACCAAGAAATCCAACAAGGACAGCCTCCGCGAGGCTGTGCGCACGCTGCTGGGGTACG[G>A]CTACAACTTGGAAGCACCAGATCAAGATCATGGTATTTTGGTTTTACTTTCCTCTTCTTC-3'
Protein context (NP_001026.2, residues 1051-1071): REAVRTLLGY[Gly1061Asp]YNLEAPDQDH

ClinVar aggregate classification (germline): Uncertain significance. Review status: criteria provided, multiple submitters, no conflicts (2 of 4 stars). 2 submissions from 2 submitters: Uncertain significance (2). Last evaluated 2023-12-07.

Conditions:
Catecholaminergic polymorphic ventricular tachycardia (CVPT). Also called: Catecholamine-induced polymorphic ventricular tachycardia. Identifiers: Orphanet 3286, MedGen C5574922, MONDO:0017990.
Cardiomyopathy (CMYO). Also called: Cardiomyopathies. Identifiers: Orphanet 167848, MedGen C0878544, MONDO:0004994, HP:0001638. Inheritance: Various modes of inheritance.

gnomAD v4.1: 8 of 1,564,204 alleles (0.00051%); highest among the groups gnomAD compares: Non-Finnish European, 0.00069%; no homozygotes.

Submissions (2):

All of Us Research Program, National Institutes of Health
Classification: Uncertain significance for Catecholaminergic polymorphic ventricular tachycardia. Last evaluated: 2023-12-07. Review status: criteria provided, single submitter. Criteria: ACMG Guidelines, 2015. Collection method: clinical testing. Allele origin: germline. Inheritance: Autosomal dominant inheritance. Observed: 1 variant allele, 1 heterozygote.
Comment: Variant of Uncertain Significance due to insufficient evidence: This missense variant replaces glycine with aspartic acid at codon 1061 of the RYR2 protein. Computational prediction tools and conservation analyses suggest that this variant may have deleterious impact on the protein function. Computational splicing tools suggest that this variant may not impact RNA splicing. To our knowledge, functional assays have not been performed for this variant nor has this variant been reported in individuals affected with cardiovascular disorders in the literature. This variant is rare in the general population and has been identified in 0/277264 chromosomes by the Genome Aggregation Database (gnomAD). Available evidence is insufficient to determine the role of this variant in disease conclusively.

This study involves interpretation of variants in research participants for the purpose of population health screening. Participant phenotype was not available at the time of variant classification. Additional details can be found in publication PMID: 35346344, PMCID: PMC8962531

Color Diagnostics, LLC DBA Color Health
Classification: Uncertain significance for Cardiomyopathy. Last evaluated: 2023-12-05. Review status: criteria provided, single submitter. Criteria: ACMG Guidelines, 2015. Collection method: clinical testing. Allele origin: germline.
Comment: Variant of Uncertain Significance due to insufficient evidence: This missense variant replaces glycine with aspartic acid at codon 1061 of the RYR2 protein. Computational prediction tools and conservation analyses suggest that this variant may have deleterious impact on the protein function. Computational splicing tools suggest that this variant may not impact RNA splicing. To our knowledge, functional assays have not been performed for this variant nor has this variant been reported in individuals affected with cardiovascular disorders in the literature. This variant is rare in the general population and has been identified in 0/277264 chromosomes by the Genome Aggregation Database (gnomAD). Available evidence is insufficient to determine the role of this variant in disease conclusively.